The following is an entry in ClinVar:

NM_000702.4(ATP1A2):c.*1547G>T

Gene: ATP1A2 (ATPase Na+/K+ transporting subunit alpha 2; plus strand). Cytogenetic location: 1q23.2.
Variant type: single nucleotide variant.
Coding change: c.*1547G>T on transcript NM_000702.4 (MANE Select); 1547 bases downstream of the stop codon, G replaced by T.
Molecular consequence: 3 prime UTR variant.
Genome position (GRCh38, 1-based): chr1:160,142,869, G>T. VCF-style: chr1-160142869-G-T. GRCh37 (hg19) VCF-style: chr1-160112659-G-T.
Identifiers: ClinVar variation 293176 (VCV000293176.6), dbSNP rs55845795, ClinGen allele CA10607962.

ClinVar aggregate classification (germline): Benign. Review status: criteria provided, multiple submitters, no conflicts (2 of 4 stars). 3 submissions from 2 submitters: Benign (3). Last evaluated 2018-01-12.

Conditions:
Alternating hemiplegia of childhood 1 (AHC1). Identifiers: Orphanet 2131, MedGen C3549447, MONDO:0007087, OMIM 104290.
Migraine, familial hemiplegic, 2. Identifiers: Orphanet 569, MedGen C1865322, MONDO:0011232, OMIM 602481.

Allele frequency attached by ClinVar (database versions not stated): gnomAD exomes 0.05000; 1000 Genomes Project 0.07009; 1000 Genomes Project 30x 0.07121; TOPMed 0.09450; gnomAD 0.10461 and 0.10469.
gnomAD v4.1: 15,919 of 152,120 alleles (10%); highest among the groups gnomAD compares: Non-Finnish European, 14%; 1,067 homozygotes.

Submissions (3):

Illumina Laboratory Services, Illumina
Classification: Benign for Migraine, familial hemiplegic, 2. Last evaluated: 2018-01-12. Review status: criteria provided, single submitter. Criteria: ICSL Variant Classification Criteria 13 December 2019. Collection method: clinical testing. Allele origin: germline.
Comment: This variant was observed in the ICSL laboratory as part of a predisposition screen in an ostensibly healthy population. It had not been previously curated by ICSL or reported in the Human Gene Mutation Database (HGMD: prior to June 1st, 2018), and was therefore a candidate for classification through an automated scoring system. Utilizing variant allele frequency, disease prevalence and penetrance estimates, and inheritance mode, an automated score was calculated to assess if this variant is too frequent to cause the disease. Based on the score and internal cut-off values, a variant classified as benign is not then subjected to further curation. The score for this variant resulted in a classification of benign for this disease.

Illumina Laboratory Services, Illumina
Classification: Benign for Alternating hemiplegia of childhood 1. Last evaluated: 2018-01-12. Review status: criteria provided, single submitter. Criteria: ICSL Variant Classification Criteria 13 December 2019. Collection method: clinical testing. Allele origin: germline.
Comment: the same text as in the submission from Illumina Laboratory Services, Illumina above.

Breakthrough Genomics
Classification: Benign. Review status: criteria provided, single submitter. Criteria: ACMG Guidelines, 2015. Collection method: not provided. Allele origin: germline. Inheritance: Autosomal recessive inheritance. Affected: yes.